The following is an entry in ClinVar:

NC_000010.10:g.(?_73439124)_(73447496_?)del

Gene: CDH23 (cadherin related 23; plus strand). Cytogenetic location: 10q22.1.
Variant type: Deletion.
Identifiers: ClinVar variation 2426725 (VCV002426725.4).

ClinVar aggregate classification (germline): Pathogenic (1 of 4 stars; one submission).

Submission:

Labcorp Genetics (formerly Invitae), Labcorp
Classification: Pathogenic. Last evaluated: 2022-05-21. Review status: criteria provided, single submitter. Criteria: Invitae Variant Classification Sherloc (09022015). Collection method: clinical testing. Allele origin: germline.
Comment: For these reasons, this variant has been classified as Pathogenic. This variant has not been reported in the literature in individuals affected with CDH23-related conditions. This variant is a gross deletion of the genomic region encompassing exon(s) 17-19 of the CDH23 gene. This deletion is out-of-frame, and is expected to create a premature termination codon and result in an absent or disrupted protein product. Loss-of-function variants in CDH23 are known to be pathogenic (PMID: 11138009, 21940737).

Literature cited by the submitters: PubMed 11138009; PubMed 21940737.